The following is an entry in ClinVar:

NM_003309.4(TSPYL1):c.396A>G (p.Leu132=)

Genes: DSE (dermatan sulfate epimerase; plus strand), TSPYL1 (TSPY like 1; minus strand), LOC129997035 (ATAC-STARR-seq lymphoblastoid active region 24984; plus strand). Cytogenetic location: 6q22.1.
Variant type: single nucleotide variant.
Coding change: c.396A>G on transcript NM_003309.4 (MANE Select); coding-DNA position 396, A replaced by G.
Protein change: p.Leu132=; no amino-acid change (leucine 132 retained).
Molecular consequence: synonymous variant. On other transcripts: intron variant (6).
Genome position (GRCh38, 1-based): chr6:116,279,435, T>C on the plus strand (A>G on the coding strand, the complement: TSPYL1 is on the minus strand). VCF-style: chr6-116279435-T-C. GRCh37 (hg19) VCF-style: chr6-116600598-T-C.
Other names: c.-954+20468T>C (NM_001374520.1); c.-54+20468T>C (NM_001322937.2, NM_001322938.2, NM_001374522.1); c.-641+20468T>C (NM_001374521.1); c.-611+20468T>C (NM_001322940.2).
Identifiers: ClinVar variation 3053310 (VCV003053310.2), dbSNP rs748503331, ClinGen allele CA3969304.
Genomic context (GRCh38, chr6:116,279,435, plus strand): 5'-CGCCTCAGCCTCCGCCCCCGCCGTCAGCTCAGACGCGGATCTCTGGGCGCCACAGATTTC[T>C]AGGGCCTTCTCTCCACCCTGAACGCCCTTTTTCAGGCTGCGGTCGGCTGCCATCACCACA-3'
Protein context (NP_003300.1, residues 122-142): KKGVQGGEKA[Leu132=]EICGAQRSAS

ClinVar aggregate classification (germline): Likely benign (0 of 4 stars; one submission).

Conditions:
TSPYL1-related disorder. Also called: TSPYL1-related condition.

Allele frequency attached by ClinVar (database versions not stated): gnomAD 0.00002; gnomAD exomes 0.00002; TOPMed 0.00004; ExAC 0.00007.
gnomAD v4.1: 26 of 1,613,398 alleles (0.0016%); highest among the groups gnomAD compares: Admixed American, 0.04%; no homozygotes.

Submission:

PreventionGenetics, part of Exact Sciences
Classification: Likely benign for TSPYL1-related condition. Last evaluated: 2019-09-06. Review status: no assertion criteria provided. Collection method: clinical testing. Allele origin: germline.
Comment: This variant is classified as likely benign based on ACMG/AMP sequence variant interpretation guidelines (Richards et al. 2015 PMID: 25741868, with internal and published modifications).